The following is an entry in ClinVar:

NM_005120.3(MED12):c.1744+4C>T

Genes: MED12 (mediator complex subunit 12; plus strand), LOC126863275 (BRD4-independent group 4 enhancer GRCh37_chrX:70342400-70343599; plus strand). Cytogenetic location: Xq13.1.
Variant type: single nucleotide variant.
Coding change: c.1744+4C>T on transcript NM_005120.3 (MANE Select); 4 bases into the intron after coding-DNA position 1744, C replaced by T.
Molecular consequence: intron variant.
Genome position (GRCh38, 1-based): chrX:71,123,724, C>T. VCF-style: chrX-71123724-C-T. GRCh37 (hg19) VCF-style: chrX-70343574-C-T.
Identifiers: ClinVar variation 388498 (VCV000388498.10), dbSNP rs780750721, ClinGen allele CA10444223.
Genomic context (GRCh38, chrX:71,123,724, plus strand): 5'-CTCCCATTTTCCAGGATGTCCTCCTGCAGTTTCTGGATACACAGGCTCCCATGCTGAGTA[C>T]GGACCCCTACCACTCTCTAGTTACCTCTGCCTAGACTCAGTTACCCACCACTGTCATCAG-3'

ClinVar aggregate classification (germline): Conflicting classifications of pathogenicity. Review status: criteria provided, conflicting classifications (1 of 4 stars). 2 submissions from 2 submitters: Uncertain significance (1); Likely benign (1). Last evaluated 2026-01-07.

Conditions:
FG syndrome (FGS). Identifiers: MedGen C0220769, MONDO:0002010.

Allele frequency attached by ClinVar (database versions not stated): TOPMed below 0.00001; gnomAD exomes 0.00002 and 0.00004; ExAC 0.00006.
gnomAD v4.1: 17 of 1,188,334 alleles (0.0014%); highest among the groups gnomAD compares: Non-Finnish European, 0.0018%; no homozygotes.

Submissions (2):

Labcorp Genetics (formerly Invitae), Labcorp
Classification: Uncertain significance for FG syndrome. Last evaluated: 2026-01-07. Review status: criteria provided, single submitter. Criteria: Invitae Variant Classification Sherloc (09022015). Collection method: clinical testing. Allele origin: germline.
Comment: This sequence change falls in intron 12 of the MED12 gene. It does not directly change the encoded amino acid sequence of the MED12 protein. It affects a nucleotide within the consensus splice site. The frequency data for this variant in the population databases is considered unreliable, as metrics indicate poor data quality at this position in the gnomAD database. This variant has not been reported in the literature in individuals affected with MED12-related conditions. ClinVar contains an entry for this variant (Variation ID: 388498). Variants that disrupt the consensus splice site are a relatively common cause of aberrant splicing (PMID: 17576681, 9536098). Algorithms developed to predict the effect of sequence changes on RNA splicing suggest that this variant is not likely to affect RNA splicing. In summary, the available evidence is currently insufficient to determine the role of this variant in disease. Therefore, it has been classified as a Variant of Uncertain Significance.

GeneDx
Classification: Likely benign. Last evaluated: 2016-08-17. Review status: criteria provided, single submitter. Criteria: GeneDx Variant Classification (06012015). Collection method: clinical testing. Allele origin: germline. Affected: yes.
Comment: This variant is considered likely benign or benign based on one or more of the following criteria: it is a conservative change, it occurs at a poorly conserved position in the protein, it is predicted to be benign by multiple in silico algorithms, and/or has population frequency not consistent with disease.

Literature cited by the submitters: PubMed 17576681 (cited by Labcorp Genetics (formerly Invitae), Labcorp); PubMed 9536098 (cited by Labcorp Genetics (formerly Invitae), Labcorp).